The following is an entry in ClinVar:

ClinVar aggregate classification (germline): Likely pathogenic (0 of 4 stars; one submission).

Conditions:
CLCN1-related disorder. Also called: CLCN1-related condition.

Submission:

PreventionGenetics, part of Exact Sciences
Classification: Likely pathogenic for CLCN1-related condition. Last evaluated: 2024-04-23. Review status: no assertion criteria provided. Collection method: clinical testing. Allele origin: germline.
Comment: The CLCN1 c.2047G>T variant is predicted to result in premature protein termination (p.Glu683*). To our knowledge, this variant has not been reported in the literature or in a large population database, indicating this variant is rare. Nonsense variants in CLCN1 are expected to be pathogenic. This variant is interpreted as likely pathogenic.

NM_000083.3(CLCN1):c.2047G>T (p.Glu683Ter)

Genes: CLCN1 (chloride voltage-gated channel 1; plus strand), LOC123956257 (Sharpr-MPRA regulatory region 4117; plus strand). Cytogenetic location: 7q34.
Variant type: single nucleotide variant.
Coding change: c.2047G>T on transcript NM_000083.3 (MANE Select); coding-DNA position 2047, G replaced by T.
Protein change: p.Glu683Ter; replaces glutamic acid 683 with a stop codon.
Molecular consequence: nonsense. On other transcripts: non-coding transcript variant (1).
Genome position (GRCh38, 1-based): chr7:143,345,637, G>T. VCF-style: chr7-143345637-G-T. GRCh37 (hg19) VCF-style: chr7-143042730-G-T.
Other names: short protein forms E683*.
Identifiers: ClinVar variation 3346896 (VCV003346896.1).